The following is an entry in ClinVar:

NM_014363.6(SACS):c.10737G>A (p.Met3579Ile)

Gene: SACS (sacsin molecular chaperone; minus strand). Cytogenetic location: 13q12.12.
Variant type: single nucleotide variant.
Coding change: c.10737G>A on transcript NM_014363.6 (MANE Select); coding-DNA position 10737, G replaced by A.
Protein change: p.Met3579Ile; replaces methionine 3579 with isoleucine.
Molecular consequence: missense variant.
Genome position (GRCh38, 1-based): chr13:23,333,139, C>T on the plus strand (G>A on the coding strand, the complement: SACS is on the minus strand). VCF-style: chr13-23333139-C-T. GRCh37 (hg19) VCF-style: chr13-23907278-C-T.
Other names: c.10296G>A, p.Met3432Ile (NM_001278055.2); c.10737G>A (NM_014363.5); short protein forms M3432I, M3579I.
Identifiers: ClinVar variation 805282 (VCV000805282.4), dbSNP rs199970621, ClinGen allele CA6910403.

ClinVar aggregate classification (germline): Uncertain significance. Review status: criteria provided, multiple submitters, no conflicts (2 of 4 stars). 4 submissions from 4 submitters: Uncertain significance (3). 1 of the submissions does not count toward it. Last evaluated 2026-01-04.

Conditions:
Charlevoix-Saguenay spastic ataxia (SACS). Also called: AUTOSOMAL RECESSIVE SPASTIC ATAXIA OF CHARLEVOIX-SAGUENAY; SPASTIC ATAXIA 6, AUTOSOMAL RECESSIVE; Spastic ataxia of Charlevoix-Saguenay. Identifiers: Orphanet 98, MedGen C1849140, MONDO:0010041, OMIM 270550.
SACS-related disorder. Also called: SACS-related condition.

Allele frequency attached by ClinVar (database versions not stated): TOPMed 0.00003; gnomAD 0.00004; 1000 Genomes Project 30x 0.00016; 1000 Genomes Project 0.00020.
gnomAD v4.1: 68 of 1,612,918 alleles (0.0042%); highest among the groups gnomAD compares: Middle Eastern, 0.017%; no homozygotes.

Submissions (4):

PreventionGenetics, part of Exact Sciences
Classification: Uncertain significance for SACS-related condition. Last evaluated: 2026-01-04. Review status: criteria provided, single submitter. Criteria: ACMG Guidelines, 2015. Collection method: clinical testing. Allele origin: germline.
Comment: The SACS c.10737G>A variant is predicted to result in the amino acid substitution p.Met3579Ile. To our knowledge, this variant has not been reported in the literature. This variant is reported in 0.0027% of alleles in individuals of European (Non-Finnish) descent in gnomAD. At this time, the clinical significance of this variant is uncertain due to the absence of conclusive functional and genetic evidence.

Blueprint Genetics
Classification: Uncertain significance. Last evaluated: 2023-10-12. Review status: criteria provided, single submitter. Criteria: ACMG Guidelines, 2015. Collection method: clinical testing. Allele origin: germline.

Athena Diagnostics
Classification: Uncertain significance. Last evaluated: 2019-05-17. Review status: criteria provided, single submitter. Criteria: Athena Diagnostics Criteria. Collection method: clinical testing. Allele origin: germline.

Natera, Inc.
Classification: Uncertain significance for Charlevoix-Saguenay type spastic ataxia. Last evaluated: 2020-09-16. Review status: no assertion criteria provided. Collection method: clinical testing. Allele origin: germline. Not counted in ClinVar's aggregate classification.